The following is an entry in ClinVar:

ClinVar aggregate classification (germline): Conflicting classifications of pathogenicity. Review status: criteria provided, conflicting classifications (1 of 4 stars). 2 submissions from 2 submitters: Uncertain significance (1); Benign (1). Last evaluated 2025-04-02.

Submissions (2):

ARUP Laboratories, Molecular Genetics and Genomics, ARUP Laboratories
Classification: Benign. Last evaluated: 2025-04-02. Review status: criteria provided, single submitter. Criteria: ARUP Molecular Germline Variant Investigation Process 2024. Collection method: clinical testing. Allele origin: germline.
Comment: The Hb Stanleyville-II variant (HBA2: c.237C>G or c.237C>A; p.Asn79Lys, also known as Asn78Lys when numbered from the mature protein, rs281860607, HbVar ID: 119) is reported in individuals without any significant hematological symptoms and does not contribute to the clinical phenotype when found with other structural variants or pathogenic globin variants including HbS, Hb CS, and -3.7kb (Dherte 1959, Dode 1990, Kimura 2015, Lacerra 2004, Lin 2011, Moradkhani 2009, Pimentel 2011, Rhoda 1983, Schneider 1959, Silva 2012, Van Ros 1968, see HbVar database). This variant is reported in ClinVar (Variation ID: 618159) and is absent from the Genome Aggregation Database, indicating it is not a common polymorphism. The asparagine at codon 79 is weakly conserved, and computational analyses are uncertain whether this variant is neutral or deleterious (REVEL: 0.415). Based on available information, this variant is considered to be benign. References: Link to HbVar database for Hb-Stanleyville II: Dherte P et al. Stanleyville I and II: two new variants of adult haemoglobin. Br Med J. 1959 Aug 29;2(5147):282-4. PMID: 13816361. Dode C et al. Locus assignment of human alpha globin mutations by selective amplification and direct sequencing. Br J Haematol. 1990 Oct;76(2):275-81. PMID: 2094330. Kimura EM et al. Investigating alpha-globin structural variants: a retrospective review of 135,000 Brazilian individuals. Rev Bras Hematol Hemoter. 2015 Mar-Apr;37(2):103-8. PMID: 25818820. Lacerra G et al. Sequence variations of the alpha-globin genes: scanning of high CG content genes with DHPLC and DG-DGGE. Hum Mutat. 2004 Oct;24(4):338-49. PMID: 15365991. Lin M et al. Hb Stanleyville II [alpha 78(EF7) Asn?Lys] occurrence in combination with Hb Constant Spring. Blood Cells Mol Dis. 2011 Feb 15;46(2):145-6. PMID: 21093326. Moradkhani K et al. Mutations in the paralogous human alpha-globin genes yielding identical hemoglobin variants. Ann Hematol. 2009 Jun;88(6):535-43. PMID: 18923834. Pimentel FS et al. Homozygous Hb Stanleyville-II [alpha2 78(EF7) Asn>Lys; HBA2:c.237C>A, not C>G] associated with genotype -a 3.7/-a 3.7 in two Brazilian families. Int J Lab Hematol. 2011 Dec;33(6):566-9. PMID: 21470372. Rhoda MD et al. Sickle cell hemoglobin fiber formation strongly inhibited by the Stanleyville II mutation (alpha 78 Asn leads to Lys). Biochem Biophys Res Commun. 1983 Feb 28;111(1):8-13. PMID: 6681956. Schneider RG et al. A new haemoglobin variant in an American Negro. Br Med J. 1959 Aug 29;2(5147):285. PMID: 14443254. Silva et al. Hb Stanleyville-II [alpha78(EF7)Asn?Lys (alpha2); HbA2: c.237C>A]: incidence of 1:11,500 in a newborn screening program in Brazil. Hemoglobin. 2012;36(4):388-94. PMID: 22625430. Van Ros G et al. Haemoglobin Stanleyville II (alpha asparagine replaced by lysine). Br Med J. 1968 Oct 12;4(5623):92-3. PMID: 5696551.

Quest Diagnostics Nichols Institute San Juan Capistrano
Classification: Uncertain significance. Last evaluated: 2021-10-18. Review status: criteria provided, single submitter. Criteria: Quest Diagnostics criteria. Collection method: clinical testing. Allele origin: unknown.
Comment: The HBA2 c.237C>A (p.Asn79Lys) variant is reported in the published literature in individuals with hemoglobin abnormalities (PMID: 32597250 (2020)) and anemia (21470372 (2011), 22625430 (2012), 25109349 (2014), 33823095 (2021)). In the individuals with anemia, this variant occurred with the HB Constant Spring and alpha 3.7 deletion variants in HBA2 (PMIDs: 21093326 (2011), 22625430 (2012), 33823095 (2021)). It has not been reported in large, multi-ethnic general populations. Analysis of this variant using bioinformatics tools for the prediction of the effect of amino acid changes on protein structure and function yielded conflicting predictions that this variant is benign or damaging. Based on the available information, we are unable to determine the clinical significance of this variant.

Literature cited by the submitters: PubMed 33823095 (cited by Quest Diagnostics Nichols Institute San Juan Capistrano); PubMed 21470372 (cited by Quest Diagnostics Nichols Institute San Juan Capistrano); PubMed 17608715 (cited by Quest Diagnostics Nichols Institute San Juan Capistrano); PubMed 5696551 (cited by Quest Diagnostics Nichols Institute San Juan Capistrano); PubMed 6681956 (cited by Quest Diagnostics Nichols Institute San Juan Capistrano); PubMed 22625430 (cited by Quest Diagnostics Nichols Institute San Juan Capistrano); PubMed 2094330 (cited by Quest Diagnostics Nichols Institute San Juan Capistrano); PubMed 21093326 (cited by Quest Diagnostics Nichols Institute San Juan Capistrano); PubMed 32597250 (cited by Quest Diagnostics Nichols Institute San Juan Capistrano); PubMed 25109349 (cited by Quest Diagnostics Nichols Institute San Juan Capistrano).

NM_000517.6(HBA2):c.237C>A (p.Asn79Lys)

Genes: HBA2 (hemoglobin subunit alpha 2; plus strand), LOC106804612 (hemoglobin subunit alpha 2 recombination region; plus strand). Cytogenetic location: 16p13.3.
Variant type: single nucleotide variant.
Coding change: c.237C>A on transcript NM_000517.6 (MANE Select); coding-DNA position 237, C replaced by A.
Protein change: p.Asn79Lys; replaces asparagine 79 with lysine.
Molecular consequence: missense variant.
Genome position (GRCh38, 1-based): chr16:173,266, C>A. VCF-style: chr16-173266-C-A. GRCh37 (hg19) VCF-style: chr16-223265-C-A.
Other names: short protein forms N79K.
Identifiers: ClinVar variation 618159 (VCV000618159.16), dbSNP rs281860607, ClinGen allele CA393993701.
Genomic context (GRCh38, chr16:173,266, plus strand): 5'-CGGCAAGAAGGTGGCCGACGCGCTGACCAACGCCGTGGCGCACGTGGACGACATGCCCAA[C>A]GCGCTGTCCGCCCTGAGCGACCTGCACGCGCACAAGCTTCGGGTGGACCCGGTCAACTTC-3'
Protein context (NP_000508.1, residues 69-89): NAVAHVDDMP[Asn79Lys]ALSALSDLHA